The following is an entry in ClinVar:

ClinVar aggregate classification (germline): Uncertain significance (1 of 4 stars; one submission).

Submission:

Labcorp Genetics (formerly Invitae), Labcorp
Classification: Uncertain significance. Last evaluated: 2024-04-14. Review status: criteria provided, single submitter. Criteria: Invitae Variant Classification Sherloc (09022015). Collection method: clinical testing. Allele origin: germline.
Comment: This sequence change replaces aspartic acid, which is acidic and polar, with tyrosine, which is neutral and polar, at codon 189 of the PSMA3 protein (p.Asp189Tyr). This variant is not present in population databases (gnomAD no frequency). This variant has not been reported in the literature in individuals affected with PSMA3-related conditions. An algorithm developed to predict the effect of missense changes on protein structure and function (PolyPhen-2) suggests that this variant is likely to be disruptive. In summary, the available evidence is currently insufficient to determine the role of this variant in disease. Therefore, it has been classified as a Variant of Uncertain Significance.

NM_002788.4(PSMA3):c.565G>T (p.Asp189Tyr)

Genes: PSMA3 (proteasome 20S subunit alpha 3; plus strand), PSMA3-AS1 (PSMA3 antisense RNA 1; minus strand). Cytogenetic location: 14q23.1.
Variant type: single nucleotide variant.
Coding change: c.565G>T on transcript NM_002788.4 (MANE Select); coding-DNA position 565, G replaced by T.
Protein change: p.Asp189Tyr; replaces aspartic acid 189 with tyrosine.
Molecular consequence: missense variant. On other transcripts: non-coding transcript variant (1).
Genome position (GRCh38, 1-based): chr14:58,267,495, G>T. VCF-style: chr14-58267495-G-T. GRCh37 (hg19) VCF-style: chr14-58734213-G-T.
Other names: c.544G>T, p.Asp182Tyr (NM_152132.3); short protein forms D189Y, D182Y.
Identifiers: ClinVar variation 3649813 (VCV003649813.2).